The following is an entry in ClinVar:

ClinVar aggregate classification (germline): Uncertain significance. Review status: criteria provided, multiple submitters, no conflicts (2 of 4 stars). 2 submissions from 2 submitters: Uncertain significance (2). Last evaluated 2023-06-11.

Conditions:
Hereditary cancer-predisposing syndrome. Also called: Tumor predisposition; Hereditary neoplastic syndrome; Hereditary Cancer Syndrome; Neoplastic Syndromes, Hereditary. Identifiers: Orphanet 140162, MedGen C0027672, MeSH D009386, MONDO:0015356.
Familial cancer of breast. Also called: BREAST CANCER, FAMILIAL; Hereditary breast cancer; hereditary breast carcinoma. Identifiers: Orphanet 227535, MedGen C0346153, MONDO:0016419, OMIM 114480. Disease mechanism: loss of function.

Submissions (2):

Labcorp Genetics (formerly Invitae), Labcorp
Classification: Uncertain significance for Familial cancer of breast. Last evaluated: 2023-06-11. Review status: criteria provided, single submitter. Criteria: Invitae Variant Classification Sherloc (09022015). Collection method: clinical testing. Allele origin: germline.
Comment: In summary, the available evidence is currently insufficient to determine the role of this variant in disease. Therefore, it has been classified as a Variant of Uncertain Significance. An algorithm developed to predict the effect of missense changes on protein structure and function (PolyPhen-2) suggests that this variant is likely to be tolerated. ClinVar contains an entry for this variant (Variation ID: 937885). This variant has not been reported in the literature in individuals affected with BARD1-related conditions. This variant is not present in population databases (gnomAD no frequency). This sequence change replaces cysteine, which is neutral and slightly polar, with arginine, which is basic and polar, at codon 78 of the BARD1 protein (p.Cys78Arg).

Ambry Genetics
Classification: Uncertain significance for Hereditary cancer-predisposing syndrome. Last evaluated: 2021-04-27. Review status: criteria provided, single submitter. Criteria: Ambry Variant Classification Scheme 2023. Collection method: clinical testing. Allele origin: germline.
Comment: The p.C78R variant (also known as c.232T>C), located in coding exon 3 of the BARD1 gene, results from a T to C substitution at nucleotide position 232. The cysteine at codon 78 is replaced by arginine, an amino acid with highly dissimilar properties. This amino acid position is well conserved in available vertebrate species. In addition, the in silico prediction for this alteration is inconclusive. Since supporting evidence is limited at this time, the clinical significance of this alteration remains unclear.

NM_000465.4(BARD1):c.232T>C (p.Cys78Arg)

Gene: BARD1 (BRCA1 associated RING domain 1; minus strand). Cytogenetic location: 2q35.
Variant type: single nucleotide variant.
Coding change: c.232T>C on transcript NM_000465.4 (MANE Select); coding-DNA position 232, T replaced by C.
Protein change: p.Cys78Arg; replaces cysteine 78 with arginine.
Molecular consequence: missense variant. On other transcripts: non-coding transcript variant (1), intron variant (2).
Genome position (GRCh38, 1-based): chr2:214,792,429, A>G on the plus strand (T>C on the coding strand, the complement: BARD1 is on the minus strand). VCF-style: chr2-214792429-A-G. GRCh37 (hg19) VCF-style: chr2-215657153-A-G.
Other names: c.175T>C, p.Cys59Arg (NM_001282543.2); c.232T>C, p.Cys78Arg (NM_001282549.2); c.158+16983T>C (NM_001282548.2); c.215+4632T>C (NM_001282545.2); short protein forms C59R, C78R.
Identifiers: ClinVar variation 937885 (VCV000937885.13), dbSNP rs1695567620, ClinGen allele CA350461293.